The following is an entry in ClinVar:

ClinVar aggregate classification (germline): Uncertain significance (1 of 4 stars; one submission).

Submission:

Labcorp Genetics (formerly Invitae), Labcorp
Classification: Uncertain significance. Last evaluated: 2021-10-13. Review status: criteria provided, single submitter. Criteria: Invitae Variant Classification Sherloc (09022015). Collection method: clinical testing. Allele origin: germline.
Comment: In summary, the available evidence is currently insufficient to determine the role of this variant in disease. Therefore, it has been classified as a Variant of Uncertain Significance. Algorithms developed to predict the effect of missense changes on protein structure and function are either unavailable or do not agree on the potential impact of this missense change (SIFT: "Tolerated"; PolyPhen-2: "Possibly Damaging"; Align-GVGD: "Class C0"). This variant is not present in population databases (ExAC no frequency). This sequence change replaces glutamine with lysine at codon 400 of the PPOX protein (p.Gln400Lys). The glutamine residue is moderately conserved and there is a small physicochemical difference between glutamine and lysine. This variant has not been reported in the literature in individuals affected with PPOX-related conditions.

NM_001122764.3(PPOX):c.1198C>A (p.Gln400Lys)

Gene: PPOX (protoporphyrinogen oxidase; plus strand). Cytogenetic location: 1q23.3.
Variant type: single nucleotide variant.
Coding change: c.1198C>A on transcript NM_001122764.3 (MANE Select); coding-DNA position 1198, C replaced by A.
Protein change: p.Gln400Lys; replaces glutamine 400 with lysine.
Molecular consequence: missense variant.
Genome position (GRCh38, 1-based): chr1:161,170,719, C>A. VCF-style: chr1-161170719-C-A. GRCh37 (hg19) VCF-style: chr1-161140509-C-A.
Other names: c.1198C>A, p.Gln400Lys (NM_000309.5, NM_001365398.1); c.1099C>A, p.Gln367Lys (NM_001350128.2); c.790C>A, p.Gln264Lys (NM_001350129.2, NM_001365400.1); c.712C>A, p.Gln238Lys (NM_001350130.2, NM_001350131.2, NM_001365401.1); c.1087C>A, p.Gln363Lys (NM_001365399.1); short protein forms Q238K, Q363K, Q400K, Q264K, Q367K.
Identifiers: ClinVar variation 1386637 (VCV001386637.6), dbSNP rs2101901963, ClinGen allele CA343358209.